The following is an entry in ClinVar:

ClinVar aggregate classification (germline): Benign/Likely benign. Review status: criteria provided, multiple submitters, no conflicts (2 of 4 stars). 2 submissions from 2 submitters: Benign (1); Likely benign (1). Last evaluated 2026-03-01.

Conditions:
Breast-ovarian cancer, familial, susceptibility to, 4. Identifiers: Orphanet 145, MedGen C3280345, MONDO:0013669, OMIM 614291.
Hereditary cancer-predisposing syndrome. Also called: Neoplastic Syndromes, Hereditary; Tumor predisposition; Hereditary neoplastic syndrome; Hereditary Cancer Syndrome. Identifiers: Orphanet 140162, MedGen C0027672, MeSH D009386, MONDO:0015356.

Submissions (2):

Ambry Genetics
Classification: Likely benign for Hereditary cancer-predisposing syndrome. Last evaluated: 2026-03-01. Review status: criteria provided, single submitter. Criteria: Ambry Variant Classification Scheme 2023. Collection method: clinical testing. Allele origin: germline.

Myriad Genetics, Inc.
Classification: Benign for Breast-ovarian cancer, familial, susceptibility to, 4. Last evaluated: 2025-02-25. Review status: criteria provided, single submitter. Criteria: Myriad Autosomal Dominant, Autosomal Recessive and X-Linked Classification Criteria (2023). Collection method: clinical testing. Allele origin: unknown.
Comment: This variant is considered benign. This variant is a silent/synonymous amino acid change and it is not expected to impact splicing.

NM_002878.4(RAD51D):c.858A>G (p.Ala286=)

Genes: RAD51D (RAD51 paralog D; minus strand), RAD51L3-RFFL (RAD51L3-RFFL readthrough; minus strand). Cytogenetic location: 17q12.
Variant type: single nucleotide variant.
Coding change: c.858A>G on transcript NM_002878.4 (MANE Select); coding-DNA position 858, A replaced by G.
Protein change: p.Ala286=; no amino-acid change (alanine 286 retained).
Molecular consequence: synonymous variant. On other transcripts: non-coding transcript variant (3).
Genome position (GRCh38, 1-based): chr17:35,101,246, T>C on the plus strand (A>G on the coding strand, the complement: RAD51D is on the minus strand). VCF-style: chr17-35101246-T-C. GRCh37 (hg19) VCF-style: chr17-33428265-T-C.
Other names: c.918A>G, p.Ala306= (NM_001142571.2); c.522A>G, p.Ala174= (NM_133629.3).
Identifiers: ClinVar variation 3904487 (VCV003904487.2).